The following is an entry in ClinVar:

ClinVar aggregate classification (germline): Likely pathogenic (1 of 4 stars; one submission).

Conditions:
Neuronal ceroid lipofuscinosis. Also called: Neuronal Ceroid Lipofuscinoses. Identifiers: Orphanet 216, Orphanet 79263, MedGen C0027877, MONDO:0016295. Disease mechanism: loss of function.

Submission:

Natera, Inc.
Classification: Likely pathogenic for Neuronal ceroid lipofuscinosis. Last evaluated: 2025-08-19. Review status: criteria provided, single submitter. Criteria: Natera Variant Classification Schema (03/2026). Collection method: clinical testing. Allele origin: germline.
Comment: The c.369T>A variant in CLN5 is a nonsense variant predicted to introduce a stop codon at amino acid 123. This variant is expected to result in nonsense mediated decay, truncation, or a dysfunctional protein product. This variant is rare in the general population with a frequency below the threshold expected for the associated phenotype(s). Given the available evidence, this variant is classified as Likely Pathogenic.

NM_006493.4(CLN5):c.222T>A (p.Tyr74Ter)

Gene: CLN5 (CLN5 lysosomal BMP synthase; plus strand). Cytogenetic location: 13q22.3.
Variant type: single nucleotide variant.
Coding change: c.222T>A on transcript NM_006493.4 (MANE Select); coding-DNA position 222, T replaced by A.
Protein change: p.Tyr74Ter; replaces tyrosine 74 with a stop codon.
Molecular consequence: nonsense.
Genome position (GRCh38, 1-based): chr13:76,995,111, T>A. VCF-style: chr13-76995111-T-A. GRCh37 (hg19) VCF-style: chr13-77569246-T-A.
Other names: c.222T>A, p.Tyr74Ter (NM_001366624.2); short protein forms Y123*, Y74*.
Identifiers: ClinVar variation 4815510 (VCV004815510.1).